The following is an entry in ClinVar:

ClinVar aggregate classification (germline): Uncertain significance (1 of 4 stars; one submission).

Conditions:
Joubert syndrome 14 (JBTS14). Identifiers: MedGen C3280766, MONDO:0013745, OMIM 614424.

Submission:

Labcorp Genetics (formerly Invitae), Labcorp
Classification: Uncertain significance for Joubert syndrome 14. Last evaluated: 2022-01-11. Review status: criteria provided, single submitter. Criteria: Invitae Variant Classification Sherloc (09022015). Collection method: clinical testing. Allele origin: germline.
Comment: In summary, the available evidence is currently insufficient to determine the role of this variant in disease. Therefore, it has been classified as a Variant of Uncertain Significance. Algorithms developed to predict the effect of missense changes on protein structure and function are either unavailable or do not agree on the potential impact of this missense change (SIFT: "Deleterious"; PolyPhen-2: "Possibly Damaging"; Align-GVGD: "Class C15"). This variant has not been reported in the literature in individuals affected with TMEM237-related conditions. This variant is not present in population databases (gnomAD no frequency). This sequence change replaces alanine, which is neutral and non-polar, with aspartic acid, which is acidic and polar, at codon 287 of the TMEM237 protein (p.Ala287Asp).

NM_001044385.3(TMEM237):c.860C>A (p.Ala287Asp)

Gene: TMEM237 (transmembrane protein 237; minus strand). Cytogenetic location: 2q33.1.
Variant type: single nucleotide variant.
Coding change: c.860C>A on transcript NM_001044385.3 (MANE Select); coding-DNA position 860, C replaced by A.
Protein change: p.Ala287Asp; replaces alanine 287 with aspartic acid.
Molecular consequence: missense variant.
Genome position (GRCh38, 1-based): chr2:201,629,239, G>T on the plus strand (C>A on the coding strand, the complement: TMEM237 is on the minus strand). VCF-style: chr2-201629239-G-T. GRCh37 (hg19) VCF-style: chr2-202493962-G-T.
Other names: c.836C>A, p.Ala279Asp (NM_152388.4); short protein forms A279D, A287D.
Identifiers: ClinVar variation 2078877 (VCV002078877.4), dbSNP rs1282683026, ClinGen allele CA350308395.
Genomic context (GRCh38, chr2:201,629,239, plus strand): 5'-TCAGCATTTCCTCCTGAAGAAGTTAGACAGATCTGGAGTCATAGGCATTACCTGTCAAAA[G>T]CTGAAATTGTACTCAGAGCCAAAAGCAAGTACAGAAGACTCTGGAATGGATACGCTAGGG-3'
Protein context (NP_001037850.1, residues 277-297): YLLLALSTIS[Ala287Asp]FDRIDFAKIS